The following is an entry in ClinVar:

NM_016507.4(CDK12):c.1732G>T (p.Ala578Ser)

Gene: CDK12 (cyclin dependent kinase 12; plus strand). Cytogenetic location: 17q12.
Variant type: single nucleotide variant.
Coding change: c.1732G>T on transcript NM_016507.4 (MANE Select); coding-DNA position 1732, G replaced by T.
Protein change: p.Ala578Ser; replaces alanine 578 with serine.
Molecular consequence: missense variant.
Genome position (GRCh38, 1-based): chr17:39,471,564, G>T. VCF-style: chr17-39471564-G-T. GRCh37 (hg19) VCF-style: chr17-37627817-G-T.
Other names: c.1732G>T, p.Ala578Ser (NM_015083.4); short protein forms A578S.
Identifiers: ClinVar variation 4224309 (VCV004224309.1).

ClinVar aggregate classification (germline): Uncertain significance (1 of 4 stars; one submission).

Submission:

Ambry Genetics
Classification: Uncertain significance. Last evaluated: 2025-07-25. Review status: criteria provided, single submitter. Criteria: Ambry Variant Classification Scheme 2023. Collection method: clinical testing. Allele origin: germline.
Comment: The p.A578S variant (also known as c.1732G>T), located in coding exon 2 of the CDK12 gene, results from a G to T substitution at nucleotide position 1732. The alanine at codon 578 is replaced by serine, an amino acid with similar properties. This amino acid position is conserved. In addition, this alteration is predicted to be tolerated by in silico analysis. Based on the available evidence, the clinical significance of this variant remains unclear.